The following is an entry in ClinVar:

NM_001083962.2(TCF4):c.1771C>T (p.Leu591Phe)

Gene: TCF4 (transcription factor 4; minus strand). Cytogenetic location: 18q21.2.
Variant type: single nucleotide variant.
Coding change: c.1771C>T on transcript NM_001083962.2 (MANE Select); coding-DNA position 1771, C replaced by T.
Protein change: p.Leu591Phe; replaces leucine 591 with phenylalanine.
Molecular consequence: missense variant.
Genome position (GRCh38, 1-based): chr18:55,228,955, G>A on the plus strand (C>T on the coding strand, the complement: TCF4 is on the minus strand). VCF-style: chr18-55228955-G-A. GRCh37 (hg19) VCF-style: chr18-52896186-G-A.
Other names: c.1684C>T, p.Leu562Phe (NM_001348220.1, NM_001369584.1, NM_001369585.1); c.1771C>T, p.Leu591Phe (NM_001369567.1, NM_001369568.1); c.1768C>T, p.Leu590Phe (NM_001369569.1, NM_001369570.1, NM_001330604.3); c.1759C>T, p.Leu587Phe (NM_001369571.1, NM_001369572.1, NM_003199.3); c.1756C>T, p.Leu586Phe (NM_001369573.1, NM_001369574.1); c.1699C>T, p.Leu567Phe (NM_001369575.1, NM_001243227.2, NM_001348217.1 and 1 more transcripts); c.2077C>T, p.Leu693Phe (NM_001243226.3); c.1696C>T, p.Leu566Phe (NM_001369576.1, NM_001369577.1, NM_001369578.1 and 3 more transcripts); and 14 more; short protein forms L375F, L563F, L567F, L586F, L693F, L516F, L520F, L562F.
Identifiers: ClinVar variation 1034603 (VCV001034603.9), dbSNP rs2047107163, ClinGen allele CA402528829.

ClinVar aggregate classification (germline): Likely pathogenic. Review status: criteria provided, multiple submitters, no conflicts (2 of 4 stars). 2 submissions from 2 submitters: Likely pathogenic (2). Last evaluated 2025-09-15.

Conditions:
Pitt-Hopkins syndrome (PTHS). Also called: ENCEPHALOPATHY, SEVERE EPILEPTIC, WITH AUTONOMIC DYSFUNCTION; MENTAL RETARDATION, SYNDROMAL, WITH INTERMITTENT HYPERVENTILATION. Identifiers: Orphanet 2896, MedGen C1970431, MONDO:0012589, OMIM 610954.

Submissions (2):

3billion
Classification: Likely pathogenic for Pitt-Hopkins syndrome. Last evaluated: 2025-09-15. Review status: criteria provided, single submitter. Criteria: ACMG Guidelines, 2015. Collection method: clinical testing. Allele origin: germline. Affected: yes.
Comment: The variant is not observed in the gnomAD v4.1.0 dataset. Predicted Consequence/Location: The variant is located in a mutational hot spot and/or well-established functional domain in which established pathogenic variants have been reported. In silico tool predictions suggest damaging effect of the variant on gene or gene product [REVEL: 0.92 (>=0.6, sensitivity 0.68 and specificity 0.92); 3Cnet: 0.99 (> 0.75, sensitivity 0.96 and precision 0.92)]. The same nucleotide change resulting in the same amino acid change has been previously reported to be associated with TCF4-related disorder (ClinVar ID: VCV001034603).A different missense change at the same codon (p.Leu591Pro) has been reported to be associated with TCF4-related disorder (ClinVar ID: VCV000854261). Therefore, this variant is classified as Likely pathogenic according to the recommendation of ACMG/AMP guideline.

Labcorp Genetics (formerly Invitae), Labcorp
Classification: Likely pathogenic for Pitt-Hopkins syndrome. Last evaluated: 2022-10-03. Review status: criteria provided, single submitter. Criteria: Invitae Variant Classification Sherloc (09022015). Collection method: clinical testing. Allele origin: germline.
Comment: This sequence change replaces leucine, which is neutral and non-polar, with phenylalanine, which is neutral and non-polar, at codon 591 of the TCF4 protein (p.Leu591Phe). This missense change has been observed in individual(s) with clinical features of Pitt-Hopkins syndrome (Invitae). This variant is not present in population databases (gnomAD no frequency). Advanced modeling of protein sequence and biophysical properties (such as structural, functional, and spatial information, amino acid conservation, physicochemical variation, residue mobility, and thermodynamic stability) performed at Invitae indicates that this missense variant is expected to disrupt TCF4 protein function. This variant disrupts the p.Leu591 amino acid residue in TCF4. Other variant(s) that disrupt this residue have been determined to be pathogenic (Invitae). This suggests that this residue is clinically significant, and that variants that disrupt this residue are likely to be disease-causing. In summary, the currently available evidence indicates that the variant is pathogenic, but additional data are needed to prove that conclusively. Therefore, this variant has been classified as Likely Pathogenic. ClinVar contains an entry for this variant (Variation ID: 1034603).